The following is an entry in ClinVar:

ClinVar aggregate classification (germline): Conflicting classifications of pathogenicity. Review status: criteria provided, conflicting classifications (1 of 4 stars). 14 submissions from 14 submitters: Uncertain significance (11); Likely benign (3). Last evaluated 2025-12-17.

Conditions:
Cardiovascular phenotype. Identifiers: MedGen CN230736.
Arrhythmogenic right ventricular dysplasia 10. Also called: Arrhythmogenic right ventricular dysplasia/cardiomyopathy, type 10; Arrhythmogenic Right Ventricular Dysplasia/Cardiomyopathy10; ARRHYTHMOGENIC RIGHT VENTRICULAR DYSPLASIA, FAMILIAL, 10. Identifiers: MedGen C1857777, MONDO:0012434, OMIM 610193.
Dilated cardiomyopathy 1BB (CMD1BB). Also called: CARDIOMYOPATHY, DILATED, 1BB, SUSCEPTIBILITY TO. Identifiers: Orphanet 154, MedGen C2752072, MONDO:0013030, OMIM 612877.
Cardiomyopathy (CMYO). Also called: Cardiomyopathies. Identifiers: Orphanet 167848, MedGen C0878544, MONDO:0004994, HP:0001638. Inheritance: Various modes of inheritance.
Arrhythmogenic right ventricular cardiomyopathy (ARVD). Also called: Arrhythmogenic cardiomyopathy; Arrhythmogenic Right Ventricular Cardiomyopathy (ARVC); Cardiomyopathy, ARVC; Arrhythmogenic right ventricular dysplasia. Identifiers: Orphanet 247, MedGen C0349788, MeSH D019571, MONDO:0016587. Disease mechanism: loss of function. Inheritance: Various modes of inheritance.

Allele frequency attached by ClinVar (database versions not stated): ExAC 0.00004; gnomAD exomes 0.00006 and 0.00003; gnomAD 0.00011; ESP Exome Variant Server 0.00016; TOPMed 0.00017.
gnomAD v4.1: 62 of 1,614,094 alleles (0.0038%); highest among the groups gnomAD compares: African/African-American, 0.036%; no homozygotes.

Submissions (14):

Labcorp Genetics (formerly Invitae), Labcorp
Classification: Uncertain significance for Arrhythmogenic right ventricular dysplasia 10. Last evaluated: 2025-12-17. Review status: criteria provided, single submitter. Criteria: Invitae Variant Classification Sherloc (09022015). Collection method: clinical testing. Allele origin: germline.
Comment: This sequence change replaces asparagine, which is neutral and polar, with serine, which is neutral and polar, at codon 493 of the DSG2 protein (p.Asn493Ser). This variant is present in population databases (rs375679311, gnomAD 0.03%). This missense change has been observed in individual(s) with arrhythmogenic right ventricular cardiomyopathy (PMID: 21606390). ClinVar contains an entry for this variant (Variation ID: 163212). Invitae Evidence Modeling of protein sequence and biophysical properties (such as structural, functional, and spatial information, amino acid conservation, physicochemical variation, residue mobility, and thermodynamic stability) has been performed for this missense variant. However, the output from this modeling did not meet the statistical confidence thresholds required to predict the impact of this variant on DSG2 protein function. In summary, the available evidence is currently insufficient to determine the role of this variant in disease. Therefore, it has been classified as a Variant of Uncertain Significance.

Color Diagnostics, LLC DBA Color Health
Classification: Likely benign for Cardiomyopathy. Last evaluated: 2025-11-04. Review status: criteria provided, single submitter. Criteria: ACMG Guidelines, 2015. Collection method: clinical testing. Allele origin: germline.

GeneDx
Classification: Uncertain significance. Last evaluated: 2025-09-12. Review status: criteria provided, single submitter. Criteria: GeneDx Variant Classification Process June 2021. Collection method: clinical testing. Allele origin: germline. Affected: yes.
Comment: Reported in association with ARVC; however, no additional clinical or segregation information was provided (PMID: 21606390); In silico analysis supports that this missense variant has a deleterious effect on protein structure/function; This variant is associated with the following publications: (PMID: 23299917, 31019283, 31402444, 23861362, 21606390)

Women's Health and Genetics/Laboratory Corporation of America, LabCorp
Classification: Likely benign. Last evaluated: 2025-07-29. Review status: criteria provided, single submitter. Criteria: LabCorp Variant Classification Summary - May 2015. Collection method: clinical testing. Allele origin: germline.
Comment: Variant summary: DSG2 c.1478A>G (p.Asn493Ser) results in a conservative amino acid change in the encoded protein sequence. Algorithms developed to predict the effect of missense changes on protein structure and function are either unavailable or do not agree on the potential impact of this missense change. The variant allele was found at a frequency of 3.8e-05 in 1614094 control chromosomes, predominantly at a frequency of 0.00036 within the African or African-American subpopulation in the gnomAD database. The observed variant frequency within African or African-American control individuals in the gnomAD database is approximately 1.44 fold of the estimated maximal expected allele frequency for a pathogenic variant in DSG2 causing Arrhythmogenic Right Ventricular Dysplasia/Cardiomyopathy phenotype (0.00025). c.1478A>G has been observed in at least one individual affected with Arrhythmogenic Right Ventricular Dysplasia/Cardiomyopathy, and has been reported as a secondary finding in cohorts of individuals undergoing whole exome sequencing, not selected for cariac-related conditions (e.g. Quarta_2011, Ng_2013, Thauvin-Robinet_2019). These reports do not provide unequivocal conclusions about association of the variant with Arrhythmogenic Right Ventricular Dysplasia/Cardiomyopathy. To our knowledge, no experimental evidence demonstrating an impact on protein function has been reported. The following publications have been ascertained in the context of this evaluation (PMID: 23861362, 21606390, 31019283). ClinVar contains an entry for this variant (Variation ID: 163212). Based on the evidence outlined above, the variant was classified as likely benign.

Molecular Diagnostic Laboratory for Inherited Cardiovascular Disease, Montreal Heart Institute
Classification: Uncertain significance for Cardiovascular phenotype. Last evaluated: 2025-04-09. Review status: criteria provided, single submitter. Criteria: ACMG Guidelines, 2015. Collection method: clinical testing. Allele origin: germline. Affected: yes.

All of Us Research Program, National Institutes of Health
Classification: Uncertain significance for Arrhythmogenic right ventricular cardiomyopathy. Last evaluated: 2024-08-30. Review status: criteria provided, single submitter. Criteria: ACMG Guidelines, 2015. Collection method: clinical testing. Allele origin: germline. Inheritance: Autosomal dominant inheritance. Observed: 18 variant alleles, 18 heterozygotes.
Comment: This missense variant replaces asparagine with serine at codon 493 of the DSG2 protein. Computational prediction is inconclusive regarding the impact of this variant on protein structure and function (internally defined REVEL score threshold 0.5 < inconclusive < 0.7, PMID: 27666373). To our knowledge, functional studies have not been reported for this variant. This variant has been reported in an individual affected with arrhythmogenic right ventricular cardiomyopathy (PMID: 21606390). This variant has also been identified in 17/280812 chromosomes in the general population by the Genome Aggregation Database (gnomAD). The available evidence is insufficient to determine the role of this variant in disease conclusively. Therefore, this variant is classified as a Variant of Uncertain Significance.

This study involves interpretation of variants in research participants for the purpose of population health screening. Participant phenotype was not available at the time of variant classification. Additional details can be found in publication PMID: 35346344, PMCID: PMC8962531

Mayo Clinic Laboratories, Mayo Clinic
Classification: Uncertain significance. Last evaluated: 2023-08-31. Review status: criteria provided, single submitter. Criteria: ACMG Guidelines, 2015. Collection method: clinical testing. Allele origin: germline. Observed: 1 variant allele.

Ambry Genetics
Classification: Likely benign for Cardiovascular phenotype. Last evaluated: 2023-03-01. Review status: criteria provided, single submitter. Criteria: Ambry Variant Classification Scheme 2023. Collection method: clinical testing. Allele origin: germline.

Fulgent Genetics
Classification: Uncertain significance for Arrhythmogenic right ventricular dysplasia 10; Dilated cardiomyopathy 1BB. Last evaluated: 2022-02-02. Review status: criteria provided, single submitter. Criteria: ACMG Guidelines, 2015. Collection method: clinical testing. Allele origin: unknown.

Mendelics
Classification: Uncertain significance. Last evaluated: 2019-05-28. Review status: criteria provided, single submitter. Criteria: Mendelics Assertion Criteria 2017. Collection method: clinical testing. Allele origin: unknown.

Equipe Genetique des Anomalies du Developpement, Université de Bourgogne
Classification: Uncertain significance for Arrhythmogenic right ventricular dysplasia 10. Last evaluated: 2018-11-21. Review status: criteria provided, single submitter. Criteria: ACMG Guidelines, 2015. Collection method: clinical testing. Allele origin: unknown.

Biesecker Lab/Clinical Genomics Section, National Institutes of Health
Classification: Uncertain significance for Cardiomyopathy, arrhythmogenic right ventricular. Last evaluated: 2018-04-05. Review status: criteria provided, single submitter. Criteria: ACMG Guidelines, 2015. Collection method: research. Allele origin: unknown. Affected: no. Observed: 1 variant allele.
Comment: The study set was not selected for affection status in relation to arrhythmia or cardiomyopathy. Pathogenicity categories were based on literature curation. See Pubmed ID:25741868 for details.

Medical sequencing

CHEO Genetics Diagnostic Laboratory, Children's Hospital of Eastern Ontario
Classification: Uncertain significance for Cardiomyopathy. Last evaluated: 2016-02-04. Review status: criteria provided, single submitter. Criteria: ACMG Guidelines, 2015. Collection method: clinical testing. Allele origin: germline. Study: Canadian Open Genetics Repository.

Laboratory for Molecular Medicine, Mass General Brigham Personalized Medicine
Classification: Uncertain significance. Last evaluated: 2014-06-26. Review status: criteria provided, single submitter. Criteria: LMM Criteria. Collection method: clinical testing. Allele origin: germline. Observed: 1 variant allele.
Comment: The Asn493Ser variant in DSG2 has been reported in 1 individual with ARVC (Quart a 2011). It has also been identified in 1/8302 of European American chromosomes and 1/3874 of African American chromosomes by the NHLBI Exome Sequencing Project (Andreasen 2013), as well as in 1/1740 Europe an chromosomes by the ClinSeq Project (dbSNP rs375679311, Ng 2013). Computationa l prediction tools and conservation analysis do not provide strong support for o r against an impact to the protein. In summary, the clinical significance of the Asn493Ser variant is uncertain.

Literature cited by the submitters: PubMed 21606390 (cited by 6 submitters); PubMed 23861362 (cited by 4 submitters); PubMed 31019283 (cited by 3 submitters); PubMed 23299917 (cited by 3 submitters); PubMed 31402444 (cited by Mayo Clinic Laboratories, Mayo Clinic); PubMed 30885746 (cited by Ambry Genetics).

NM_001943.5(DSG2):c.1478A>G (p.Asn493Ser)

Gene: DSG2 (desmoglein 2; plus strand). Cytogenetic location: 18q12.1.
Variant type: single nucleotide variant.
Coding change: c.1478A>G on transcript NM_001943.5 (MANE Select); coding-DNA position 1478, A replaced by G.
Protein change: p.Asn493Ser; replaces asparagine 493 with serine.
Molecular consequence: missense variant.
Genome position (GRCh38, 1-based): chr18:31,536,256, A>G. VCF-style: chr18-31536256-A-G. GRCh37 (hg19) VCF-style: chr18-29116219-A-G.
Other names: p.N493S:AAC>AGC; short protein forms N493S.
Identifiers: ClinVar variation 163212 (VCV000163212.34), dbSNP rs375679311, ClinGen allele CA021402.